The following is an entry in ClinVar:

ClinVar aggregate classification (germline): Uncertain significance. Review status: criteria provided, multiple submitters, no conflicts (2 of 4 stars). 2 submissions from 2 submitters: Uncertain significance (2). Last evaluated 2025-04-03.

Conditions:
Inborn genetic diseases. Identifiers: MedGen C0950123, MeSH D030342.

gnomAD v4.1: 2 of 1,614,132 alleles (0.00012%); highest among the groups gnomAD compares: Non-Finnish European, 0.00017%; no homozygotes.

Submissions (2):

Ambry Genetics
Classification: Uncertain significance for Inborn genetic diseases. Last evaluated: 2025-04-03. Review status: criteria provided, single submitter. Criteria: Ambry Variant Classification Scheme 2023. Collection method: clinical testing. Allele origin: germline.

GeneDx
Classification: Uncertain significance. Last evaluated: 2023-05-09. Review status: criteria provided, single submitter. Criteria: GeneDx Variant Classification Process June 2021. Collection method: clinical testing. Allele origin: germline. Affected: yes.
Comment: Not observed at significant frequency in large population cohorts (gnomAD); In silico analysis supports that this missense variant does not alter protein structure/function; Has not been previously published as pathogenic or benign to our knowledge

NM_022455.5(NSD1):c.1621G>A (p.Asp541Asn)

Gene: NSD1 (nuclear receptor binding SET domain protein 1; plus strand). Cytogenetic location: 5q35.3.
Variant type: single nucleotide variant.
Coding change: c.1621G>A on transcript NM_022455.5 (MANE Select); coding-DNA position 1621, G replaced by A.
Protein change: p.Asp541Asn; replaces aspartic acid 541 with asparagine.
Molecular consequence: missense variant.
Genome position (GRCh38, 1-based): chr5:177,210,020, G>A. VCF-style: chr5-177210020-G-A. GRCh37 (hg19) VCF-style: chr5-176637021-G-A.
Other names: c.748G>A, p.Asp250Asn (NM_001365684.2, NM_001409306.1, NM_001409307.1 and 3 more transcripts); c.1621G>A, p.Asp541Asn (NM_001409301.1, NM_001409302.1, NM_001409303.1); c.1201G>A, p.Asp401Asn (NM_001409304.1); c.868G>A, p.Asp290Asn (NM_001409305.1); short protein forms D250N, D290N, D401N, D541N.
Identifiers: ClinVar variation 2663197 (VCV002663197.2), dbSNP rs2480445744, ClinGen allele CA362310551.